The following is an entry in ClinVar:

ClinVar aggregate classification (germline): Likely benign. Review status: criteria provided, multiple submitters, no conflicts (2 of 4 stars). 4 submissions from 4 submitters: Likely benign (2). 2 of the submissions do not count toward it. Last evaluated 2026-01-28.

Conditions:
RDH12-related disorder. Also called: RDH12-related condition; RDH12-related disorders.
Leber congenital amaurosis (LCA). Also called: Leber's amaurosis. Identifiers: Orphanet 65, MedGen C0339527, MeSH D057130, MONDO:0018998.
Leber congenital amaurosis 13 (LCA13). Identifiers: MedGen C2675186, MONDO:0012990, OMIM 612712.

Allele frequency attached by ClinVar (database versions not stated): gnomAD 0.00003 and 0.00004; gnomAD exomes 0.00009; TOPMed 0.00025.
gnomAD v4.1: 139 of 1,613,434 alleles (0.0086%); highest among the groups gnomAD compares: Admixed American, 0.23%; 1 homozygote.

Submissions (4):

Labcorp Genetics (formerly Invitae), Labcorp
Classification: Likely benign for Leber congenital amaurosis 13. Last evaluated: 2026-01-28. Review status: criteria provided, single submitter. Criteria: Invitae Variant Classification Sherloc (09022015). Collection method: clinical testing. Allele origin: germline.

Blueprint Genetics
Classification: Likely benign. Last evaluated: 2023-08-25. Review status: criteria provided, single submitter. Criteria: ACMG Guidelines, 2015. Collection method: clinical testing. Allele origin: germline.

PreventionGenetics, part of Exact Sciences
Classification: Likely benign for RDH12-related condition. Last evaluated: 2024-09-03. Review status: no assertion criteria provided. Collection method: clinical testing. Allele origin: germline. Not counted in ClinVar's aggregate classification.
Comment: This variant is classified as likely benign based on ACMG/AMP sequence variant interpretation guidelines (Richards et al. 2015 PMID: 25741868, with internal and published modifications).

Natera, Inc.
Classification: Likely benign for Leber congenital amaurosis. Last evaluated: 2020-04-17. Review status: no assertion criteria provided. Collection method: clinical testing. Allele origin: germline. Not counted in ClinVar's aggregate classification.

NM_152443.3(RDH12):c.320C>A (p.Ala107Asp)

Genes: GPHN (gephyrin; plus strand), RDH12 (retinol dehydrogenase 12; plus strand). Cytogenetic location: 14q24.1.
Variant type: single nucleotide variant.
Coding change: c.320C>A on transcript NM_152443.3 (MANE Select); coding-DNA position 320, C replaced by A.
Protein change: p.Ala107Asp; replaces alanine 107 with aspartic acid.
Molecular consequence: missense variant.
Genome position (GRCh38, 1-based): chr14:67,725,231, C>A. VCF-style: chr14-67725231-C-A. GRCh37 (hg19) VCF-style: chr14-68191948-C-A.
Other names: short protein forms A107D.
Identifiers: ClinVar variation 770047 (VCV000770047.13), dbSNP rs775717423, ClinGen allele CA7238667.